The following is an entry in ClinVar:

ClinVar aggregate classification (germline): Benign/Likely benign. Review status: criteria provided, multiple submitters, no conflicts (2 of 4 stars). 4 submissions from 4 submitters: Benign (1); Likely benign (2). 1 of the submissions does not count toward it. Last evaluated 2025-12-01.

Conditions:
ASCC1-related disorder. Also called: ASCC1-Related Disorders; ASCC1-related condition.

Allele frequency attached by ClinVar (database versions not stated): 1000 Genomes Project 30x 0.00031; 1000 Genomes Project 0.00040; TOPMed 0.00059; gnomAD 0.00087 and 0.00093; gnomAD exomes 0.00099 and 0.00131; ESP Exome Variant Server 0.00115; ExAC 0.00140.
gnomAD v4.1: 1,550 of 1,614,068 alleles (0.096%); highest among the groups gnomAD compares: Non-Finnish European, 0.088%; 1 homozygote.

Submissions (4):

Labcorp Genetics (formerly Invitae), Labcorp
Classification: Benign. Last evaluated: 2025-12-01. Review status: criteria provided, single submitter. Criteria: Invitae Variant Classification Sherloc (09022015). Collection method: clinical testing. Allele origin: germline.

CeGaT Center for Human Genetics Tuebingen
Classification: Likely benign. Last evaluated: 2025-07-01. Review status: criteria provided, single submitter. Criteria: CeGaT Center For Human Genetics Tuebingen Variant Classification Criteria Version 2. Collection method: clinical testing. Allele origin: germline. Affected: yes. Observed: 1 variant allele.
Comment: ASCC1: BP4, BP7

Blueprint Genetics
Classification: Likely benign. Last evaluated: 2024-10-10. Review status: criteria provided, single submitter. Criteria: ACMG Guidelines, 2015. Collection method: clinical testing. Allele origin: germline.

PreventionGenetics, part of Exact Sciences
Classification: Likely benign for ASCC1-related condition. Last evaluated: 2019-05-20. Review status: no assertion criteria provided. Collection method: clinical testing. Allele origin: germline. Not counted in ClinVar's aggregate classification.
Comment: This variant is classified as likely benign based on ACMG/AMP sequence variant interpretation guidelines (Richards et al. 2015 PMID: 25741868, with internal and published modifications).

NM_001198800.3(ASCC1):c.714C>T (p.Tyr238=)

Gene: ASCC1 (activating signal cointegrator 1 complex subunit 1; minus strand). Cytogenetic location: 10q22.1.
Variant type: single nucleotide variant.
Coding change: c.714C>T on transcript NM_001198800.3 (MANE Select); coding-DNA position 714, C replaced by T.
Protein change: p.Tyr238=; no amino-acid change (tyrosine 238 retained).
Molecular consequence: synonymous variant. On other transcripts: non-coding transcript variant (1), intron variant (7).
Genome position (GRCh38, 1-based): chr10:72,152,901, G>A on the plus strand (C>T on the coding strand, the complement: ASCC1 is on the minus strand). VCF-style: chr10-72152901-G-A. GRCh37 (hg19) VCF-style: chr10-73912659-G-A.
Other names: c.714C>T (NM_001198800.2); c.714C>T, p.Tyr238= (NM_001198798.2, NM_001369087.1, NM_001369088.1 and 12 more transcripts); c.798C>T, p.Tyr266= (NM_001198799.3); c.780C>T, p.Tyr260= (NM_001369085.1, NM_001369086.1); c.597C>T, p.Tyr199= (NM_001369101.1, NM_001369102.1, NM_001369105.1 and 2 more transcripts); c.692+8637C>T (NM_001369099.1); c.626+8637C>T (NM_001369112.1, NM_001369108.1, NM_001369103.1 and 3 more transcripts).
Identifiers: ClinVar variation 1596551 (VCV001596551.19), dbSNP rs138245920, ClinGen allele CA5548947.